The following is an entry in ClinVar:

NM_020297.4(ABCC9):c.3572A>G (p.Glu1191Gly)

Genes: ABCC9 (ATP binding cassette subfamily C member 9; minus strand), KCNJ8-AS1 (KCNJ8 antisense RNA 1; plus strand). Cytogenetic location: 12p12.1.
Variant type: single nucleotide variant.
Coding change: c.3572A>G on transcript NM_020297.4 (MANE Select); coding-DNA position 3572, A replaced by G.
Protein change: p.Glu1191Gly; replaces glutamic acid 1191 with glycine.
Molecular consequence: missense variant.
Genome position (GRCh38, 1-based): chr12:21,829,055, T>C on the plus strand (A>G on the coding strand, the complement: ABCC9 is on the minus strand). VCF-style: chr12-21829055-T-C. GRCh37 (hg19) VCF-style: chr12-21981989-T-C.
Other names: c.2705A>G, p.Glu902Gly (NM_001377274.1); c.3572A>G, p.Glu1191Gly (NM_005691.4, NM_001377273.1); short protein forms E1191G, E902G.
Identifiers: ClinVar variation 450711 (VCV000450711.2), dbSNP rs758873590, ClinGen allele CA6481084.
Genomic context (GRCh38, chr12:21,829,055, plus strand): 5'-AATAAGTAGGCAATGTTGTTTGTATCCGTCAGTTCCAGCATACGTTGTTTAAATCTGGTT[T>C]CATGCCTGCAGAAAACAAAAACACGATGTTAACCACACAACAGGAGAGGTAATAAGAAAC-3'
Protein context (NP_064693.2, residues 1181-1201): GLTTIRAFRH[Glu1191Gly]TRFKQRMLEL

ClinVar aggregate classification (germline): Uncertain significance (1 of 4 stars; one submission).

Allele frequency attached by ClinVar (database versions not stated): gnomAD exomes below 0.00001; ExAC 0.00001; gnomAD 0.00001; TOPMed 0.00001.

Submission:

GeneDx
Classification: Uncertain significance. Last evaluated: 2017-07-18. Review status: criteria provided, single submitter. Criteria: GeneDx Variant Classification (06012015). Collection method: clinical testing. Allele origin: germline. Affected: yes.
Comment: A variant of uncertain significance has been identified in the ABCC9 gene. The E1191G variant has not been published as pathogenic or been reported as benign to our knowledge. This variant is also not observed at a significant frequency in large population cohorts (Lek et al., 2016; 1000 Genomes Consortium et al., 2015; Exome Variant Server). The E1191G variant is a non-conservative amino acid substitution, which is likely to impact secondary protein structure as these residues differ in polarity, charge, size and/or other properties. Additionally, this substitution occurs at a position that is conserved across species and in silico analysis predicts this variant is probably damaging to the protein structure/function. Nevertheless, this variant has not been observed in a significant number of affected individuals, and it lacks both segregation and functional studies, which would further clarify its pathogenicity.